The following is an entry in ClinVar:

NM_000108.5(DLD):c.491_492insGTATAAGAGACAG (p.Thr165fs)

Gene: DLD (dihydrolipoamide dehydrogenase; plus strand). Cytogenetic location: 7q31.1.
Variant type: Insertion.
Coding change: c.491_492insGTATAAGAGACAG on transcript NM_000108.5 (MANE Select); coding-DNA positions 491 to 492, GTATAAGAGACAG inserted.
Protein change: p.Thr165fs; shifts the reading frame from threonine 165.
Molecular consequence: frameshift variant. On other transcripts: intron variant (1).
Genome position: GRCh38 VCF-style: chr7-107905413-C-CGTATAAGAGACAG. GRCh37 (hg19) VCF-style: chr7-107545858-C-CGTATAAGAGACAG.
Other names: c.194_195insGTATAAGAGACAG, p.Thr66fs (NM_001289750.1); c.422_423insGTATAAGAGACAG, p.Thr142fs (NM_001289751.1); c.438+355_438+356insGTATAAGAGACAG (NM_001289752.1); short protein forms T142fs, T165fs, T66fs.
Identifiers: ClinVar variation 1726440 (VCV001726440.2), dbSNP rs2535579237, ClinGen allele CA2580076183.
Genomic context (GRCh38, chr7:107,905,413, plus strand): 5'-TTGTAAAGGTTGTTCATGTCAATGGATATGGAAAGATAACTGGCAAAAATCAAGTCACTG[C>CGTATAAGAGACAG]TACGAAAGCTGATGGCGGCACTCAGGTTATTGATACAAAGAACATTCTTATAGCCACGGG-3'

ClinVar aggregate classification (germline): Likely pathogenic (1 of 4 stars; one submission).

Conditions:
Pyruvate dehydrogenase E3 deficiency (DLDD). Also called: Dihydrolipoamide Dehydrogenase (E3) Deficiency; Lipoamide dehydrogenase deficiency, lactic acidosis due to; Lipoamide dehydrogenase deficiency; DLD DEFICIENCY; E3 DEFICIENCY; Dihydrolipoamide Dehydrogenase Deficiency. Identifiers: Orphanet 2394, Orphanet 765, MedGen C5574660, MONDO:0009529, OMIM 246900.

Submission:

Myriad Genetics, Inc.
Classification: Likely pathogenic for Pyruvate dehydrogenase E3 deficiency. Last evaluated: 2021-12-17. Review status: criteria provided, single submitter. Criteria: Myriad Women's Health Autosomal Recessive and X-Linked Classification Criteria (2021). Collection method: clinical testing. Allele origin: unknown.
Comment: NM_000108.3(DLD):c.491_492ins13(T165Yfs*8) is expected to be pathogenic in the context of dihydrolipoamide dehydrogenase deficiency. This variant is predicted to lead to an abnormal or absent protein product due to the creation of a premature termination codon in DLD, a gene where loss-of-function variants are known to be pathogenic. Please note: this variant was assessed in the context of healthy population screening.